The following is an entry in ClinVar:

NM_022829.6(SLC13A3):c.679C>G (p.Arg227Gly)

Gene: SLC13A3 (solute carrier family 13 member 3; minus strand). Cytogenetic location: 20q13.12.
Variant type: single nucleotide variant.
Coding change: c.679C>G on transcript NM_022829.6 (MANE Select); coding-DNA position 679, C replaced by G.
Protein change: p.Arg227Gly; replaces arginine 227 with glycine.
Molecular consequence: missense variant.
Genome position (GRCh38, 1-based): chr20:46,596,272, G>C on the plus strand (C>G on the coding strand, the complement: SLC13A3 is on the minus strand). VCF-style: chr20-46596272-G-C. GRCh37 (hg19) VCF-style: chr20-45224911-G-C.
Other names: c.538C>G, p.Arg180Gly (NM_001011554.3, NM_001193340.2); c.612C>G, p.Ile204Met (NM_001193339.2); c.385C>G, p.Arg129Gly (NM_001193342.2); short protein forms I204M, R180G, R227G, R129G.
Identifiers: ClinVar variation 1400696 (VCV001400696.8), dbSNP rs866802774, ClinGen allele CA409265684.

ClinVar aggregate classification (germline): Uncertain significance (1 of 4 stars; one submission).

Submission:

Labcorp Genetics (formerly Invitae), Labcorp
Classification: Uncertain significance. Last evaluated: 2021-12-02. Review status: criteria provided, single submitter. Criteria: Invitae Variant Classification Sherloc (09022015). Collection method: clinical testing. Allele origin: germline.
Comment: Algorithms developed to predict the effect of missense changes on protein structure and function are either unavailable or do not agree on the potential impact of this missense change (SIFT: "Tolerated"; PolyPhen-2: "Possibly Damaging"; Align-GVGD: "Class C0"). In summary, the available evidence is currently insufficient to determine the role of this variant in disease. Therefore, it has been classified as a Variant of Uncertain Significance. This variant has not been reported in the literature in individuals affected with SLC13A3-related conditions. This variant is not present in population databases (gnomAD no frequency). This sequence change replaces arginine, which is basic and polar, with glycine, which is neutral and non-polar, at codon 227 of the SLC13A3 protein (p.Arg227Gly).